The following is an entry in ClinVar:

NM_001365308.1(BMPER):c.*2218C>T

Gene: BMPER (BMP binding endothelial regulator; plus strand). Cytogenetic location: 7p14.3.
Variant type: single nucleotide variant.
Coding change: c.*2218C>T on transcript NM_001365308.1 (MANE Select); 2218 bases downstream of the stop codon, C replaced by T.
Molecular consequence: 3 prime UTR variant.
Genome position (GRCh38, 1-based): chr7:34,155,491, C>T. VCF-style: chr7-34155491-C-T. GRCh37 (hg19) VCF-style: chr7-34195103-C-T.
Other names: c.*2218C>T (NM_133468.5).
Identifiers: ClinVar variation 360153 (VCV000360153.5), dbSNP rs73097004, ClinGen allele CA10623943.

ClinVar aggregate classification (germline): Benign (1 of 4 stars; one submission).

Conditions:
Diaphanospondylodysostosis. Also called: VERTEBRAL OSSIFICATION, DEFECT IN, WITH NEPHROGENIC RESTS. Identifiers: Orphanet 66637, MedGen C1842691, MONDO:0011946, OMIM 608022.

Allele frequency attached by ClinVar (database versions not stated): 1000 Genomes Project 0.08626; gnomAD 0.08773 and 0.09281; 1000 Genomes Project 30x 0.09275; TOPMed 0.09652.

Submission:

Illumina Laboratory Services, Illumina
Classification: Benign for Diaphanospondylodysostosis. Last evaluated: 2018-01-13. Review status: criteria provided, single submitter. Criteria: ICSL Variant Classification Criteria 13 December 2019. Collection method: clinical testing. Allele origin: germline.
Comment: This variant was observed in the ICSL laboratory as part of a predisposition screen in an ostensibly healthy population. It had not been previously curated by ICSL or reported in the Human Gene Mutation Database (HGMD: prior to June 1st, 2018), and was therefore a candidate for classification through an automated scoring system. Utilizing variant allele frequency, disease prevalence and penetrance estimates, and inheritance mode, an automated score was calculated to assess if this variant is too frequent to cause the disease. Based on the score and internal cut-off values, a variant classified as benign is not then subjected to further curation. The score for this variant resulted in a classification of benign for this disease.